The following is an entry in ClinVar:

NM_000784.4(CYP27A1):c.1349T>C (p.Leu450Pro)

Gene: CYP27A1 (cytochrome P450 family 27 subfamily A member 1; plus strand). Cytogenetic location: 2q35.
Variant type: single nucleotide variant.
Coding change: c.1349T>C on transcript NM_000784.4 (MANE Select); coding-DNA position 1349, T replaced by C.
Protein change: p.Leu450Pro; replaces leucine 450 with proline.
Molecular consequence: missense variant.
Genome position (GRCh38, 1-based): chr2:218,814,630, T>C. VCF-style: chr2-218814630-T-C. GRCh37 (hg19) VCF-style: chr2-219679353-T-C.
Other names: short protein forms L450P.
Identifiers: ClinVar variation 1419024 (VCV001419024.3), dbSNP rs1480110004, ClinGen allele CA350594366.
Genomic context (GRCh38, chr2:218,814,630, plus strand): 5'-TGGTGTCCCGGGACCCCACTGCCTTCTCTGAGCCTGAAAGCTTCCAGCCCCACCGCTGGC[T>C]GAGAAACAGCCAGCCTGCTACCCCCAGGATCCAGCACCCATTTGGCTCTGTGCCCTTTGG-3'
Protein context (NP_000775.1, residues 440-460): EPESFQPHRW[Leu450Pro]RNSQPATPRI

ClinVar aggregate classification (germline): Uncertain significance (1 of 4 stars; one submission).

Conditions:
Cholestanol storage disease (CTX). Also called: Cerebrotendinous Xanthomatosis; CTX: Cerebrotendinous xanthomatosis; CEREBRAL CHOLESTERINOSIS. Identifiers: Orphanet 909, MedGen C0238052, MONDO:0008948, OMIM 213700.

Allele frequency attached by ClinVar (database versions not stated): gnomAD exomes below 0.00001 and 0.00003; gnomAD 0.00001.
gnomAD v4.1: 38 of 1,614,062 alleles (0.0024%); highest among the groups gnomAD compares: Non-Finnish European, 0.0031%; no homozygotes.

Submission:

Labcorp Genetics (formerly Invitae), Labcorp
Classification: Uncertain significance for Cholestanol storage disease. Last evaluated: 2022-07-19. Review status: criteria provided, single submitter. Criteria: Invitae Variant Classification Sherloc (09022015). Collection method: clinical testing. Allele origin: germline.
Comment: This sequence change replaces leucine, which is neutral and non-polar, with proline, which is neutral and non-polar, at codon 450 of the CYP27A1 protein (p.Leu450Pro). This variant is present in population databases (no rsID available, gnomAD 0.0009%). This variant has not been reported in the literature in individuals affected with CYP27A1-related conditions. ClinVar contains an entry for this variant (Variation ID: 1419024). Advanced modeling of protein sequence and biophysical properties (such as structural, functional, and spatial information, amino acid conservation, physicochemical variation, residue mobility, and thermodynamic stability) performed at Invitae indicates that this missense variant is expected to disrupt CYP27A1 protein function. In summary, the available evidence is currently insufficient to determine the role of this variant in disease. Therefore, it has been classified as a Variant of Uncertain Significance.